The following is an entry in ClinVar:

NM_007126.5(VCP):c.2248A>G (p.Asn750Asp)

Gene: VCP (valosin containing protein; minus strand). Cytogenetic location: 9p13.3.
Variant type: single nucleotide variant.
Coding change: c.2248A>G on transcript NM_007126.5 (MANE Select); coding-DNA position 2248, A replaced by G.
Protein change: p.Asn750Asp; replaces asparagine 750 with aspartic acid.
Molecular consequence: missense variant.
Genome position (GRCh38, 1-based): chr9:35,057,443, T>C on the plus strand (A>G on the coding strand, the complement: VCP is on the minus strand). VCF-style: chr9-35057443-T-C. GRCh37 (hg19) VCF-style: chr9-35057440-T-C.
Other names: c.2113A>G, p.Asn705Asp (NM_001354927.2, NM_001354928.2); short protein forms N705D, N750D.
Identifiers: ClinVar variation 3378245 (VCV003378245.1).

ClinVar aggregate classification (germline): Uncertain significance (1 of 4 stars; one submission).

Submission:

GeneDx
Classification: Uncertain significance. Last evaluated: 2024-05-14. Review status: criteria provided, single submitter. Criteria: GeneDx Variant Classification Process June 2021. Collection method: clinical testing. Allele origin: germline. Affected: yes.
Comment: Has not been previously published as pathogenic or benign in association with VCP-related disorder to our knowledge; Not observed at significant frequency in large population cohorts (gnomAD); In silico analysis indicates that this missense variant does not alter protein structure/function; This variant is associated with the following publications: (PMID: 34765927)